The following is an entry in ClinVar:

NM_000553.6(WRN):c.445C>G (p.Arg149Gly)

Gene: WRN (WRN RecQ like helicase; plus strand). Cytogenetic location: 8p12.
Variant type: single nucleotide variant.
Coding change: c.445C>G on transcript NM_000553.6 (MANE Select); coding-DNA position 445, C replaced by G.
Protein change: p.Arg149Gly; replaces arginine 149 with glycine.
Molecular consequence: missense variant.
Genome position (GRCh38, 1-based): chr8:31,065,004, C>G. VCF-style: chr8-31065004-C-G. GRCh37 (hg19) VCF-style: chr8-30922520-C-G.
Other names: short protein forms R149G.
Identifiers: ClinVar variation 1503557 (VCV001503557.6), dbSNP rs752693894, ClinGen allele CA370914864.

ClinVar aggregate classification (germline): Uncertain significance (1 of 4 stars; one submission).

Conditions:
Werner syndrome (WRN). Identifiers: Orphanet 902, MedGen C0043119, MONDO:0010196, OMIM 277700.

gnomAD v4.1: 2 of 1,613,578 alleles (0.00012%); highest among the groups gnomAD compares: South Asian, 0.0022%; no homozygotes.

Submission:

Labcorp Genetics (formerly Invitae), Labcorp
Classification: Uncertain significance for Werner syndrome. Last evaluated: 2021-04-02. Review status: criteria provided, single submitter. Criteria: Invitae Variant Classification Sherloc (09022015). Collection method: clinical testing. Allele origin: germline.
Comment: This sequence change replaces arginine with glycine at codon 149 of the WRN protein (p.Arg149Gly). The arginine residue is weakly conserved and there is a moderate physicochemical difference between arginine and glycine. This variant is not present in population databases (ExAC no frequency). In summary, the available evidence is currently insufficient to determine the role of this variant in disease. Therefore, it has been classified as a Variant of Uncertain Significance. Algorithms developed to predict the effect of sequence changes on RNA splicing suggest that this variant may create or strengthen a splice site, but this prediction has not been confirmed by published transcriptional studies. Algorithms developed to predict the effect of missense changes on protein structure and function are either unavailable or do not agree on the potential impact of this missense change (SIFT: "Not Available"; PolyPhen-2: "Benign"; Align-GVGD: "Not Available"). This variant has not been reported in the literature in individuals with WRN-related conditions.